The following is an entry in ClinVar:

ClinVar aggregate classification (germline): Pathogenic. Review status: criteria provided, multiple submitters, no conflicts (2 of 4 stars). 5 submissions from 5 submitters: Pathogenic (5). Last evaluated 2025-07-23.

Conditions:
Hereditary cancer-predisposing syndrome. Also called: Tumor predisposition; Hereditary neoplastic syndrome; Neoplastic Syndromes, Hereditary; Hereditary Cancer Syndrome. Identifiers: Orphanet 140162, MedGen C0027672, MeSH D009386, MONDO:0015356.
Familial cancer of breast. Also called: hereditary breast carcinoma; BREAST CANCER, FAMILIAL; Hereditary breast cancer. Identifiers: Orphanet 227535, MedGen C0346153, MONDO:0016419, OMIM 114480. Disease mechanism: loss of function.

Submissions (5):

Labcorp Genetics (formerly Invitae), Labcorp
Classification: Pathogenic for Familial cancer of breast. Last evaluated: 2025-07-23. Review status: criteria provided, single submitter. Criteria: Invitae Variant Classification Sherloc (09022015). Collection method: clinical testing. Allele origin: germline.
Comment: This sequence change creates a premature translational stop signal (p.His54Leufs*22) in the CHEK2 gene. It is expected to result in an absent or disrupted protein product. Loss-of-function variants in CHEK2 are known to be pathogenic (PMID: 21876083, 24713400). This variant is not present in population databases (gnomAD no frequency). This variant has not been reported in the literature in individuals affected with CHEK2-related conditions. ClinVar contains an entry for this variant (Variation ID: 857880). For these reasons, this variant has been classified as Pathogenic.

KCCC/NGS Laboratory, Kuwait Cancer Control Center
Classification: Pathogenic for Familial cancer of breast. Last evaluated: 2023-07-05. Review status: criteria provided, single submitter. Criteria: ACMG Guidelines, 2015. Collection method: clinical testing. Allele origin: unknown. Inheritance: Autosomal dominant inheritance. Affected: yes. Observed: 1 heterozygote.
Comment: This sequence change creates a premature translational stop signal (p.His54Leufs*22) in the CHEK2 gene. It is expected to result in an absent or disrupted protein product. This variant is not present in population databases (ExAC no frequency). This variant has not been reported in the literature in individuals with CHEK2-related conditions. Loss-of-function variants in CHEK2 are known to be pathogenic (PMID: 21876083, 24713400). For these reasons, this variant has been classified as Pathogenic.

Myriad Genetics, Inc.
Classification: Pathogenic for Familial cancer of breast. Last evaluated: 2023-06-22. Review status: criteria provided, single submitter. Criteria: Myriad Autosomal Dominant, Autosomal Recessive and X-Linked Classification Criteria (2023). Collection method: clinical testing. Allele origin: unknown.
Comment: This variant is considered pathogenic. This variant creates a frameshift predicted to result in premature protein truncation.

Ambry Genetics
Classification: Pathogenic for Hereditary cancer-predisposing syndrome. Last evaluated: 2023-02-18. Review status: criteria provided, single submitter. Criteria: Ambry Variant Classification Scheme 2023. Collection method: clinical testing. Allele origin: germline.
Comment: The c.159_160delTC pathogenic mutation, located in coding exon 1 of the CHEK2 gene, results from a deletion of two nucleotides at nucleotide positions 159 to 160, causing a translational frameshift with a predicted alternate stop codon (p.H54Lfs*22). This variant is considered to be rare based on population cohorts in the Genome Aggregation Database (gnomAD). This alteration is expected to result in loss of function by premature protein truncation or nonsense-mediated mRNA decay. As such, this alteration is interpreted as a disease-causing mutation.

Baylor Genetics
Classification: Pathogenic for Familial cancer of breast. Last evaluated: 2023-01-27. Review status: criteria provided, single submitter. Criteria: ACMG Guidelines, 2015. Collection method: clinical testing. Allele origin: unknown.

Literature cited by the submitters: PubMed 21876083 (cited by Labcorp Genetics (formerly Invitae), Labcorp); PubMed 24713400 (cited by Labcorp Genetics (formerly Invitae), Labcorp).

NM_007194.4(CHEK2):c.159_160del (p.His54fs)

Gene: CHEK2 (checkpoint kinase 2; minus strand). Cytogenetic location: 22q12.1.
Variant type: Microsatellite.
Coding change: c.159_160del on transcript NM_007194.4 (MANE Select); coding-DNA positions 159 to 160, 2 bases deleted (TC; older notation c.159_160delTC).
Protein change: p.His54fs; shifts the reading frame from histidine 54.
Molecular consequence: frameshift variant.
Genome position (GRCh38, 1-based): chr22:28,734,562-28,734,563, GA deleted on the plus strand (TC on the coding strand, the reverse complement: CHEK2 is on the minus strand); deleting any 2 consecutive bases within chr22:28,734,562-28,734,566 gives the same sequence; the c. name uses the placement nearest the transcript's 3' end. VCF-style (leftmost placement, unchanged base first): chr22-28734561-TGA-T. GRCh37 (hg19) VCF-style: chr22-29130549-TGA-T.
Other names: c.159_160delTC (NM_007194.3); c.156_157CT[1], p.His54Leufs (NM_001005735.3, NM_001349956.3, NM_145862.3); c.-622_-621CT[1] (NM_001257387.3); short protein forms H54fs.
Identifiers: ClinVar variation 857880 (VCV000857880.15), dbSNP rs2054324732, ClinGen allele CA916083813.